The following is an entry in ClinVar:

ClinVar aggregate classification (germline): Uncertain significance (1 of 4 stars; one submission).

Conditions:
Hereditary cancer-predisposing syndrome. Also called: Neoplastic Syndromes, Hereditary; Tumor predisposition; Hereditary Cancer Syndrome; Hereditary neoplastic syndrome. Identifiers: Orphanet 140162, MedGen C0027672, MeSH D009386, MONDO:0015356.

Submission:

Ambry Genetics
Classification: Uncertain significance for Hereditary cancer-predisposing syndrome. Last evaluated: 2026-03-02. Review status: criteria provided, single submitter. Criteria: Ambry Variant Classification Scheme 2023. Collection method: clinical testing. Allele origin: germline.
Comment: The p.P3229A variant (also known as c.9685C>G), located in coding exon 26 of the BRCA2 gene, results from a C to G substitution at nucleotide position 9685. The proline at codon 3229 is replaced by alanine, an amino acid with highly similar properties. This amino acid position is conserved. In addition, this alteration is predicted to be tolerated by in silico analysis. Based on the available evidence, the clinical significance of this variant remains unclear.

NM_000059.4(BRCA2):c.9685C>G (p.Pro3229Ala)

Gene: BRCA2 (BRCA2 DNA repair associated; plus strand). Cytogenetic location: 13q13.1.
Variant type: single nucleotide variant.
Coding change: c.9685C>G on transcript NM_000059.4 (MANE Select); coding-DNA position 9685, C replaced by G.
Protein change: p.Pro3229Ala; replaces proline 3229 with alanine.
Molecular consequence: missense variant. On other transcripts: non-coding transcript variant (1).
Genome position (GRCh38, 1-based): chr13:32,398,198, C>G. VCF-style: chr13-32398198-C-G. GRCh37 (hg19) VCF-style: chr13-32972335-C-G.
Other names: c.9589C>G, p.Pro3197Ala (NM_001406719.1); c.9634C>G, p.Pro3212Ala (NM_001406720.1); c.4753C>G, p.Pro1585Ala (NM_001406721.1); c.3268C>G, p.Pro1090Ala (NM_001406722.1); c.9685C>G, p.Pro3229Ala (NM_001432077.1); short protein forms P3229A, P1090A, P3197A, P1585A, P3212A.
Identifiers: ClinVar variation 4826885 (VCV004826885.1).